The following is an entry in ClinVar:

NM_203447.4(DOCK8):c.4604G>A (p.Arg1535Lys)

Gene: DOCK8 (dedicator of cytokinesis 8; plus strand). Cytogenetic location: 9p24.3.
Variant type: single nucleotide variant.
Coding change: c.4604G>A on transcript NM_203447.4 (MANE Select); coding-DNA position 4604, G replaced by A.
Protein change: p.Arg1535Lys; replaces arginine 1535 with lysine.
Molecular consequence: missense variant.
Genome position (GRCh38, 1-based): chr9:429,832, G>A. VCF-style: chr9-429832-G-A. GRCh37 (hg19) VCF-style: chr9-429832-G-A.
Other names: c.4304G>A, p.Arg1435Lys (NM_001190458.2); c.4400G>A, p.Arg1467Lys (NM_001193536.2); short protein forms R1535K, R1467K, R1435K.
Identifiers: ClinVar variation 846845 (VCV000846845.9), dbSNP rs772392298, ClinGen allele CA4959136.

ClinVar aggregate classification (germline): Uncertain significance (1 of 4 stars; one submission).

Allele frequency attached by ClinVar (database versions not stated): ExAC 0.00003; gnomAD exomes 0.00001; TOPMed 0.00002; gnomAD 0.00001.
gnomAD v4.1: 15 of 1,614,024 alleles (0.00093%); highest among the groups gnomAD compares: South Asian, 0.0044%; no homozygotes.

Submission:

Labcorp Genetics (formerly Invitae), Labcorp
Classification: Uncertain significance for Combined immunodeficiency due to DOCK8 deficiency. Last evaluated: 2024-05-22. Review status: criteria provided, single submitter. Criteria: Invitae Variant Classification Sherloc (09022015). Collection method: clinical testing. Allele origin: germline.
Comment: This sequence change replaces arginine, which is basic and polar, with lysine, which is basic and polar, at codon 1535 of the DOCK8 protein (p.Arg1535Lys). This variant is present in population databases (rs772392298, gnomAD 0.003%). This variant has not been reported in the literature in individuals affected with DOCK8-related conditions. ClinVar contains an entry for this variant (Variation ID: 846845). Advanced modeling of protein sequence and biophysical properties (such as structural, functional, and spatial information, amino acid conservation, physicochemical variation, residue mobility, and thermodynamic stability) has been performed at Invitae for this missense variant, however the output from this modeling did not meet the statistical confidence thresholds required to predict the impact of this variant on DOCK8 protein function. In summary, the available evidence is currently insufficient to determine the role of this variant in disease. Therefore, it has been classified as a Variant of Uncertain Significance.